The following is an entry in ClinVar:

NM_001352514.2(HLCS):c.1342G>A (p.Gly448Ser)

Gene: HLCS (holocarboxylase synthetase; minus strand). Cytogenetic location: 21q22.13.
Variant type: single nucleotide variant.
Coding change: c.1342G>A on transcript NM_001352514.2 (MANE Select); coding-DNA position 1342, G replaced by A.
Protein change: p.Gly448Ser; replaces glycine 448 with serine.
Molecular consequence: missense variant. On other transcripts: non-coding transcript variant (2).
Genome position (GRCh38, 1-based): chr21:36,936,544, C>T on the plus strand (G>A on the coding strand, the complement: HLCS is on the minus strand). VCF-style: chr21-36936544-C-T. GRCh37 (hg19) VCF-style: chr21-38308844-C-T.
Other names: p.G301S:GGC>AGC; c.901G>A, p.Gly301Ser (NM_000411.8, NM_001242784.3, NM_001242785.2 and 4 more transcripts); short protein forms G301S, G448S.
Identifiers: ClinVar variation 203766 (VCV000203766.12), dbSNP rs200886053, ClinGen allele CA312617.
Genomic context (GRCh38, chr21:36,936,544, plus strand): 5'-AAGGCACATGCACAATCATCCTGTCCTTGTCCTCATTCTCCAGGTGGCCCTGGAGCCTGC[C>T]GGGGCTGAGCCGGACGGGGCCTTCCTGGTACCTGCAGCCACTGCTCAAGACGCTGAGCTT-3'
Protein context (NP_001339443.1, residues 438-458): YQEGPVRLSP[Gly448Ser]RLQGHLENED

ClinVar aggregate classification (germline): Likely benign. Review status: criteria provided, multiple submitters, no conflicts (2 of 4 stars). 2 submissions from 2 submitters: Likely benign (2). Last evaluated 2025-12-27.

Conditions:
Holocarboxylase synthetase deficiency. Also called: MULTIPLE CARBOXYLASE DEFICIENCY, EARLY ONSET. Identifiers: Orphanet 79242, MedGen C0268581, MONDO:0009666, OMIM 253270.

Allele frequency attached by ClinVar (database versions not stated): ESP Exome Variant Server 0.00015; 1000 Genomes Project 30x 0.00016; 1000 Genomes Project 0.00020; TOPMed 0.00031; gnomAD 0.00046; ExAC 0.00059; gnomAD exomes 0.00068.
gnomAD v4.1: 890 of 1,614,154 alleles (0.055%); highest among the groups gnomAD compares: Non-Finnish European, 0.049%; 2 homozygotes.

Submissions (2):

Labcorp Genetics (formerly Invitae), Labcorp
Classification: Likely benign for Holocarboxylase synthetase deficiency. Last evaluated: 2025-12-27. Review status: criteria provided, single submitter. Criteria: Invitae Variant Classification Sherloc (09022015). Collection method: clinical testing. Allele origin: germline.

GeneDx
Classification: Likely benign. Last evaluated: 2018-03-05. Review status: criteria provided, single submitter. Criteria: GeneDx Variant Classification (06012015). Collection method: clinical testing. Allele origin: germline. Affected: yes.
Comment: This variant is considered likely benign or benign based on one or more of the following criteria: it is a conservative change, it occurs at a poorly conserved position in the protein, it is predicted to be benign by multiple in silico algorithms, and/or has population frequency not consistent with disease.